The following is an entry in ClinVar:

ClinVar aggregate classification (germline): Likely benign. Review status: criteria provided, multiple submitters, no conflicts (2 of 4 stars). 3 submissions from 3 submitters: Likely benign (3). Last evaluated 2026-01-01.

Conditions:
Inborn genetic diseases. Identifiers: MedGen C0950123, MeSH D030342.

Submissions (3):

CeGaT Center for Human Genetics Tuebingen
Classification: Likely benign. Last evaluated: 2026-01-01. Review status: criteria provided, single submitter. Criteria: CeGaT Center For Human Genetics Tuebingen Variant Classification Criteria Version 2. Collection method: clinical testing. Allele origin: germline. Affected: yes. Observed: 1 variant allele.
Comment: TRIO: BS2

Ambry Genetics
Classification: Likely benign for Inborn genetic diseases. Last evaluated: 2024-10-28. Review status: criteria provided, single submitter. Criteria: Ambry Variant Classification Scheme 2023. Collection method: clinical testing. Allele origin: germline.

Blueprint Genetics
Classification: Likely benign. Last evaluated: 2024-10-14. Review status: criteria provided, single submitter. Criteria: ACMG Guidelines, 2015. Collection method: clinical testing. Allele origin: germline.

NM_007118.4(TRIO):c.6894_6899dup (p.Gly2300_Gly2301insSerGly)

Gene: TRIO (trio Rho guanine nucleotide exchange factor; plus strand). Cytogenetic location: 5p15.2.
Variant type: Duplication.
Coding change: c.6894_6899dup on transcript NM_007118.4 (MANE Select); coding-DNA positions 6894 to 6899, 6 bases duplicated (CAGCGG; older notation c.6894_6899dupCAGCGG).
Protein change: p.Gly2300_Gly2301insSerGly.
Molecular consequence: non-coding transcript variant (on NR_134469.2).
Genome position (GRCh38, 1-based): chr5:14,487,522-14,487,527, CAGCGG duplicated; duplicating any 6 consecutive bases within chr5:14,487,518-14,487,527 gives the same sequence; the c. name uses the placement nearest the transcript's 3' end. VCF-style (leftmost placement, unchanged base first): chr5-14487517-G-GGCGGCA. GRCh37 (hg19) VCF-style: chr5-14487626-G-GGCGGCA.
Identifiers: ClinVar variation 3461679 (VCV003461679.6).
Genomic context (GRCh38, chr5:14,487,517, plus strand): 5'-CTTACAGCCTTGACATCGCCAATCGAGTACCAGAGGAACCACAGCGGGGGCGGCGGCGGC[G>GGCGGCA]GCGGCAGCGGGGGCAGCGGCGGGGGTGGGGGCAGCGGCGGCGGCGGGGCCCCCAGTGGCG-3'